The following is an entry in ClinVar:

ClinVar aggregate classification (germline): Uncertain significance (1 of 4 stars; one submission).

Conditions:
Glycogen storage disease type III (GSD3). Also called: Cori disease; FORBES DISEASE. Identifiers: Orphanet 366, MedGen C0017922, MONDO:0009291, OMIM 232400.

Submission:

Labcorp Genetics (formerly Invitae), Labcorp
Classification: Uncertain significance for Glycogen storage disease type III. Last evaluated: 2022-06-04. Review status: criteria provided, single submitter. Criteria: Invitae Variant Classification Sherloc (09022015). Collection method: clinical testing. Allele origin: germline.
Comment: This sequence change replaces isoleucine, which is neutral and non-polar, with valine, which is neutral and non-polar, at codon 739 of the AGL protein (p.Ile739Val). This variant is not present in population databases (gnomAD no frequency). This variant has not been reported in the literature in individuals affected with AGL-related conditions. ClinVar contains an entry for this variant (Variation ID: 943827). Algorithms developed to predict the effect of missense changes on protein structure and function (SIFT, PolyPhen-2, Align-GVGD) all suggest that this variant is likely to be tolerated. In summary, the available evidence is currently insufficient to determine the role of this variant in disease. Therefore, it has been classified as a Variant of Uncertain Significance.

NM_000642.3(AGL):c.2215A>G (p.Ile739Val)

Gene: AGL (amylo-alpha-1,6-glucosidase and 4-alpha-glucanotransferase; plus strand). Cytogenetic location: 1p21.2.
Variant type: single nucleotide variant.
Coding change: c.2215A>G on transcript NM_000642.3 (MANE Select); coding-DNA position 2215, A replaced by G.
Protein change: p.Ile739Val; replaces isoleucine 739 with valine.
Molecular consequence: missense variant.
Genome position (GRCh38, 1-based): chr1:99,881,598, A>G. VCF-style: chr1-99881598-A-G. GRCh37 (hg19) VCF-style: chr1-100347154-A-G.
Other names: c.2215A>G, p.Ile739Val (NM_001425325.1, NM_001425326.1, NM_000643.3 and 2 more transcripts); c.2014A>G, p.Ile672Val (NM_001425327.1); c.2011A>G, p.Ile671Val (NM_001425328.1, NM_001425329.1); c.2167A>G, p.Ile723Val (NM_000646.3); c.1837A>G, p.Ile613Val (NM_001425332.1); short protein forms I723V, I739V, I613V, I671V, I672V.
Identifiers: ClinVar variation 943827 (VCV000943827.8), dbSNP rs1652034992, ClinGen allele CA341319868.
Genomic context (GRCh38, chr1:99,881,598, plus strand): 5'-CAGGTGTATGTGGATCAAGTTGATGAAGACATAGTGGCAGTAACAAGACACTCACCTAGC[A>G]TCCATCAGTCTGTTGTGGCTGTATCTAGAACTGCTTTCAGGAATCCCAAGACTTCATTTT-3'
Protein context (NP_000633.2, residues 729-749): IVAVTRHSPS[Ile739Val]HQSVVAVSRT